The following is an entry in ClinVar:

ClinVar aggregate classification (germline): Uncertain significance (1 of 4 stars; one submission).

Submission:

GeneDx
Classification: Uncertain significance. Last evaluated: 2023-05-08. Review status: criteria provided, single submitter. Criteria: GeneDx Variant Classification Process June 2021. Collection method: clinical testing. Allele origin: germline. Affected: yes.
Comment: Not observed at significant frequency in large population cohorts (gnomAD); In silico analysis supports that this missense variant has a deleterious effect on protein structure/function; Has not been previously published as pathogenic or benign to our knowledge

NM_001353345.2(SETD1B):c.3194C>T (p.Ser1065Phe)

Gene: SETD1B (SET domain containing 1B, histone lysine methyltransferase; plus strand). Cytogenetic location: 12q24.31.
Variant type: single nucleotide variant.
Coding change: c.3194C>T on transcript NM_001353345.2 (MANE Select); coding-DNA position 3194, C replaced by T.
Protein change: p.Ser1065Phe; replaces serine 1065 with phenylalanine.
Molecular consequence: missense variant.
Genome position (GRCh38, 1-based): chr12:121,817,586, C>T. VCF-style: chr12-121817586-C-T. GRCh37 (hg19) VCF-style: chr12-122255492-C-T.
Other names: short protein forms S1065F.
Identifiers: ClinVar variation 2663078 (VCV002663078.1), dbSNP rs2500213913, ClinGen allele CA386996312.